The following is an entry in ClinVar:

ClinVar aggregate classification (germline): Pathogenic. Review status: criteria provided, multiple submitters, no conflicts (2 of 4 stars). 2 submissions from 2 submitters: Pathogenic (2). Last evaluated 2021-09-29.

Conditions:
Melnick-Fraser syndrome (BOR). Also called: Branchio-oto-renal syndrome; Branchiootorenal Syndrome (BORS); Branchiootorenal syndrome. Identifiers: Orphanet 107, MedGen C0265234, MONDO:0007029.
Branchiootic syndrome 1 (BOS1). Also called: BO SYNDROME 1; BRANCHIOOTIC DYSPLASIA. Identifiers: MedGen C1865143, MONDO:0011258, OMIM 602588.
Otofaciocervical syndrome 1 (OTFCS). Identifiers: MedGen C3714941, MONDO:0024532, OMIM 166780.
Branchiootorenal syndrome 1. Also called: Branchio-Oto-Renal Syndrome 1. Identifiers: Orphanet 107, MedGen C4551702, MONDO:0007236, OMIM 113650.

Submissions (2):

Fulgent Genetics
Classification: Pathogenic for Branchiootorenal syndrome 1; Otofaciocervical syndrome 1; Branchiootic syndrome 1. Last evaluated: 2021-09-29. Review status: criteria provided, single submitter. Criteria: ACMG Guidelines, 2015. Collection method: clinical testing. Allele origin: unknown.

Labcorp Genetics (formerly Invitae), Labcorp
Classification: Pathogenic for Melnick-Fraser syndrome. Last evaluated: 2020-10-19. Review status: criteria provided, single submitter. Criteria: Invitae Variant Classification Sherloc (09022015). Collection method: clinical testing. Allele origin: germline.
Comment: This sequence change creates a premature translational stop signal (p.Val496Glufs*35) in the EYA1 gene. It is expected to result in an absent or disrupted protein product. Loss-of-function variants in EYA1 are known to be pathogenic (PMID: 10464653, 18220287). This variant is not present in population databases (ExAC no frequency). This variant has been observed in individual(s) with branchio-oto-renal (BOR) syndrome (PMID: 15146463, 18220287). This variant is also known as NM_172060.1:c.1388_1389delTG. For these reasons, this variant has been classified as Pathogenic.

Literature cited by the submitters: PubMed 10464653 (cited by Labcorp Genetics (formerly Invitae), Labcorp); PubMed 18220287 (cited by Labcorp Genetics (formerly Invitae), Labcorp); PubMed 15146463 (cited by Labcorp Genetics (formerly Invitae), Labcorp).

NM_000503.6(EYA1):c.1487_1488del (p.Val496fs)

Gene: EYA1 (EYA transcriptional coactivator and phosphatase 1; minus strand). Cytogenetic location: 8q13.3.
Variant type: Microsatellite.
Coding change: c.1487_1488del on transcript NM_000503.6 (MANE Select); coding-DNA positions 1487 to 1488, 2 bases deleted (TG; older notation c.1487_1488delTG).
Protein change: p.Val496fs; shifts the reading frame from valine 496.
Molecular consequence: frameshift variant.
Genome position (GRCh38, 1-based): chr8:71,215,496-71,215,497, CA deleted on the plus strand (TG on the coding strand, the reverse complement: EYA1 is on the minus strand); deleting any 2 consecutive bases within chr8:71,215,496-71,215,501 gives the same sequence; the c. name uses the placement nearest the transcript's 3' end. VCF-style (leftmost placement, unchanged base first): chr8-71215495-TCA-T. GRCh37 (hg19) VCF-style: chr8-72127730-TCA-T.
Other names: c.1469_1470del, p.Val490fs (NM_001288574.2, NM_172059.5); c.1121_1122del, p.Val374fs (NM_001288575.2); c.1574_1575del, p.Val525fs (NM_001370333.1); c.1487_1488del, p.Val496fs (NM_001370334.1, NM_001370335.1, NM_172058.4); c.1466_1467del, p.Val489fs (NM_001370336.1); short protein forms V374fs, V496fs, V525fs, V490fs, V489fs.
Identifiers: ClinVar variation 1459746 (VCV001459746.9), dbSNP rs2128850318, ClinGen allele CA2580617177.
Genomic context (GRCh38, chr8:71,215,495, plus strand): 5'-ACCCATACAGCAGGACTTTCGCCAATGCTGGGATGAGCTGAGTAGTTGTTACTAAAATAT[TCA>T]CACAGTTTGTCCTATGAGAACAAAAAGAAAACAAAGACTGTTGAAAAATAAATCTCCAAA-3'